The following is an entry in ClinVar:

ClinVar aggregate classification (germline): Uncertain significance. Review status: criteria provided, multiple submitters, no conflicts (2 of 4 stars). 3 submissions from 3 submitters: Uncertain significance (3). Last evaluated 2024-04-01.

Conditions:
Pontocerebellar hypoplasia type 3 (PCH3). Also called: CEREBELLAR ATROPHY WITH PROGRESSIVE MICROCEPHALY; PCH WITH OPTIC ATROPHY. Identifiers: Orphanet 97249, MedGen C1842687, MONDO:0011948, OMIM 608027.

Allele frequency attached by ClinVar (database versions not stated): TOPMed 0.00003; gnomAD 0.00004; gnomAD exomes 0.00005.
gnomAD v4.1: 31 of 1,613,066 alleles (0.0019%); highest among the groups gnomAD compares: Middle Eastern, 0.033%; no homozygotes.

Submissions (3):

CeGaT Center for Human Genetics Tuebingen
Classification: Uncertain significance. Last evaluated: 2024-04-01. Review status: criteria provided, single submitter. Criteria: CeGaT Center For Human Genetics Tuebingen Variant Classification Criteria Version 2. Collection method: clinical testing. Allele origin: germline. Affected: yes. Observed: 1 variant allele.
Comment: PCLO: PM2, BP4

Labcorp Genetics (formerly Invitae), Labcorp
Classification: Uncertain significance. Last evaluated: 2022-11-03. Review status: criteria provided, single submitter. Criteria: Invitae Variant Classification Sherloc (09022015). Collection method: clinical testing. Allele origin: germline.
Comment: This sequence change replaces proline, which is neutral and non-polar, with threonine, which is neutral and polar, at codon 529 of the PCLO protein (p.Pro529Thr). This variant is present in population databases (no rsID available, gnomAD 0.02%). This variant has not been reported in the literature in individuals affected with PCLO-related conditions. ClinVar contains an entry for this variant (Variation ID: 1028491). Algorithms developed to predict the effect of missense changes on protein structure and function are either unavailable or do not agree on the potential impact of this missense change (SIFT: "Deleterious"; PolyPhen-2: "Possibly Damaging"; Align-GVGD: "Class C0"). In summary, the available evidence is currently insufficient to determine the role of this variant in disease. Therefore, it has been classified as a Variant of Uncertain Significance.

Baylor Genetics
Classification: Uncertain significance for Pontocerebellar hypoplasia type 3. Last evaluated: 2020-07-24. Review status: criteria provided, single submitter. Criteria: ACMG Guidelines, 2015. Collection method: clinical testing. Allele origin: unknown. Affected: yes.
Comment: This variant was determined to be of uncertain significance according to ACMG Guidelines, 2015 [PMID:25741868].

NM_033026.6(PCLO):c.1585C>A (p.Pro529Thr)

Gene: PCLO (piccolo presynaptic cytomatrix protein; minus strand). Cytogenetic location: 7q21.11.
Variant type: single nucleotide variant.
Coding change: c.1585C>A on transcript NM_033026.6 (MANE Select); coding-DNA position 1585, C replaced by A.
Protein change: p.Pro529Thr; replaces proline 529 with threonine.
Molecular consequence: missense variant.
Genome position (GRCh38, 1-based): chr7:83,155,056, G>T on the plus strand (C>A on the coding strand, the complement: PCLO is on the minus strand). VCF-style: chr7-83155056-G-T. GRCh37 (hg19) VCF-style: chr7-82784372-G-T.
Other names: c.1585C>A, p.Pro529Thr (NM_014510.3); short protein forms P529T.
Identifiers: ClinVar variation 1028491 (VCV001028491.23), dbSNP rs895119524, ClinGen allele CA161190833.
Genomic context (GRCh38, chr7:83,155,056, plus strand): 5'-GCTTTGCTGGGCTAGGCTGTTGAGCTGAGGGTTTTGCTGAGCCAGGCTGTTGAGATGGGG[G>T]TTTTGTTGAGCCAGGCTGTTGAGGTGAGGGCTTTGCTGGGCCAGGCTGTTGAGGTGGGGG-3'
Protein context (NP_149015.2, residues 519-539): PSPQQPGSTK[Pro529Thr]PSQQPGSAKP